The following is an entry in ClinVar:

NM_002764.4(PRPS1):c.624G>A (p.Val208=)

Gene: PRPS1 (phosphoribosyl pyrophosphate synthetase 1; plus strand). Cytogenetic location: Xq22.3.
Variant type: single nucleotide variant.
Coding change: c.624G>A on transcript NM_002764.4 (MANE Select); coding-DNA position 624, G replaced by A.
Protein change: p.Val208=; no amino-acid change (valine 208 retained).
Molecular consequence: synonymous variant.
Genome position (GRCh38, 1-based): chrX:107,645,270, G>A. VCF-style: chrX-107645270-G-A. GRCh37 (hg19) VCF-style: chrX-106888500-G-A.
Other names: c.12G>A, p.Val4= (NM_001204402.2).
Identifiers: ClinVar variation 2191343 (VCV002191343.5), dbSNP rs2521345966, ClinGen allele CA517921301.

ClinVar aggregate classification (germline): Likely benign. Review status: criteria provided, multiple submitters, no conflicts (2 of 4 stars). 2 submissions from 2 submitters: Likely benign (2). Last evaluated 2026-02-25.

Conditions:
PRPS1-related disorder. Also called: PRPS1-related condition.
Charcot-Marie-Tooth Neuropathy X. Identifiers: MedGen CN118851.

Submissions (2):

PreventionGenetics, part of Exact Sciences
Classification: Likely benign for PRPS1-related condition. Last evaluated: 2026-02-25. Review status: criteria provided, single submitter. Criteria: ACMG Guidelines, 2015. Collection method: clinical testing. Allele origin: germline.
Comment: This variant is classified as likely benign based on ACMG/AMP sequence variant interpretation guidelines (Richards et al. 2015 PMID: 25741868, with internal and published modifications).

Labcorp Genetics (formerly Invitae), Labcorp
Classification: Likely benign for Charcot-Marie-Tooth Neuropathy X. Last evaluated: 2022-03-09. Review status: criteria provided, single submitter. Criteria: Invitae Variant Classification Sherloc (09022015). Collection method: clinical testing. Allele origin: germline.